The following is an entry in ClinVar:

ClinVar aggregate classification (germline): Uncertain significance (1 of 4 stars; one submission).

Conditions:
Familial thoracic aortic aneurysm and aortic dissection (TAAD). Also called: Thoracic aortic aneurysms and dissections. Identifiers: Orphanet 91387, MedGen C4707243, MONDO:0019625.

Allele frequency attached by ClinVar (database versions not stated): gnomAD exomes below 0.00001.

Submission:

Color Diagnostics, LLC DBA Color Health
Classification: Uncertain significance for Familial thoracic aortic aneurysm and aortic dissection. Last evaluated: 2022-12-24. Review status: criteria provided, single submitter. Criteria: ACMG Guidelines, 2015. Collection method: clinical testing. Allele origin: germline.
Comment: This missense variant replaces glycine with serine at codon 310 of the MYH11 protein. Computational prediction suggests that this variant may not impact protein structure and function (internally defined REVEL score threshold <= 0.5, PMID: 27666373). To our knowledge, functional studies have not been reported for this variant. This variant has not been reported in individuals affected with MYH11-related disorders in the literature. This variant has not been identified in the general population by the Genome Aggregation Database (gnomAD). The available evidence is insufficient to determine the role of this variant in disease conclusively. Therefore, this variant is classified as a Variant of Uncertain Significance.

NM_002474.3(MYH11):c.907G>A (p.Gly303Ser)

Gene: MYH11 (myosin heavy chain 11; minus strand). Cytogenetic location: 16p13.11.
Variant type: single nucleotide variant.
Coding change: c.907G>A on transcript NM_002474.3 (MANE Select); coding-DNA position 907, G replaced by A.
Protein change: p.Gly303Ser; replaces glycine 303 with serine.
Molecular consequence: missense variant.
Genome position (GRCh38, 1-based): chr16:15,771,695, C>T on the plus strand (G>A on the coding strand, the complement: MYH11 is on the minus strand). VCF-style: chr16-15771695-C-T. GRCh37 (hg19) VCF-style: chr16-15865552-C-T.
Other names: c.928G>A, p.Gly310Ser (NM_001040113.2, NM_001040114.2); c.907G>A, p.Gly303Ser (NM_022844.3); short protein forms G303S, G310S.
Identifiers: ClinVar variation 2773864 (VCV002773864.2), dbSNP rs2506505476, ClinGen allele CA394868168.